The following is an entry in ClinVar:

NM_003482.4(KMT2D):c.4952T>C (p.Leu1651Pro)

Gene: KMT2D (lysine methyltransferase 2D; minus strand). Cytogenetic location: 12q13.12.
Variant type: single nucleotide variant.
Coding change: c.4952T>C on transcript NM_003482.4 (MANE Select); coding-DNA position 4952, T replaced by C.
Protein change: p.Leu1651Pro; replaces leucine 1651 with proline.
Molecular consequence: missense variant.
Genome position (GRCh38, 1-based): chr12:49,044,755, A>G on the plus strand (T>C on the coding strand, the complement: KMT2D is on the minus strand). VCF-style: chr12-49044755-A-G. GRCh37 (hg19) VCF-style: chr12-49438538-A-G.
Other names: short protein forms L1651P.
Identifiers: ClinVar variation 3346089 (VCV003346089.1).

ClinVar aggregate classification (germline): Uncertain significance (0 of 4 stars; one submission).

Conditions:
KMT2D-related disorder. Also called: KMT2D-Related Disorders.

Submission:

PreventionGenetics, part of Exact Sciences
Classification: Uncertain significance for KMT2D-related condition. Last evaluated: 2024-08-19. Review status: no assertion criteria provided. Collection method: clinical testing. Allele origin: germline.
Comment: The KMT2D c.4952T>C variant is predicted to result in the amino acid substitution p.Leu1651Pro. To our knowledge, this variant has not been reported in the literature or in a large population database, indicating this variant is rare. At this time, the clinical significance of this variant is uncertain due to the absence of conclusive functional and genetic evidence.